The following is an entry in ClinVar:

ClinVar aggregate classification (germline): Uncertain significance (1 of 4 stars; one submission).

Submission:

GeneDx
Classification: Uncertain significance. Last evaluated: 2024-05-14. Review status: criteria provided, single submitter. Criteria: GeneDx Variant Classification Process June 2021. Collection method: clinical testing. Allele origin: germline. Affected: yes.
Comment: Not observed at significant frequency in large population cohorts (gnomAD); In silico analysis supports that this missense variant has a deleterious effect on protein structure/function; Has not been previously published as pathogenic or benign to our knowledge; This substitution is predicted to be within the extracellular loop between the S5 and S6 transmembrane segments of the first homologous domain

NM_001040142.2(SCN2A):c.1022G>T (p.Ser341Ile)

Gene: SCN2A (sodium voltage-gated channel alpha subunit 2; plus strand). Cytogenetic location: 2q24.3.
Variant type: single nucleotide variant.
Coding change: c.1022G>T on transcript NM_001040142.2 (MANE Select); coding-DNA position 1022, G replaced by T.
Protein change: p.Ser341Ile; replaces serine 341 with isoleucine.
Molecular consequence: missense variant.
Genome position (GRCh38, 1-based): chr2:165,312,076, G>T. VCF-style: chr2-165312076-G-T. GRCh37 (hg19) VCF-style: chr2-166168586-G-T.
Other names: c.1022G>T, p.Ser341Ile (NM_001040143.2, NM_001371246.1, NM_001371247.1 and 1 more transcripts); short protein forms S341I.
Identifiers: ClinVar variation 3381486 (VCV003381486.1).